The following is an entry in ClinVar:

ClinVar aggregate classification (germline): Benign. Review status: criteria provided, multiple submitters, no conflicts (2 of 4 stars). 2 submissions from 2 submitters: Benign (2). Last evaluated 2018-01-12.

Conditions:
Congenital erythropoietic porphyria. Also called: GUNTHER DISEASE; UROS DEFICIENCY; Cutaneous porphyria; Congenital porphyria; Günther disease; Uroporphyrinogen III synthase, deficiency of. Identifiers: Orphanet 79277, MedGen C5886774, MONDO:0009902, OMIM 263700.

Allele frequency attached by ClinVar (database versions not stated): ESP Exome Variant Server 0.00401; 1000 Genomes Project 0.00419; gnomAD exomes 0.00100 and 0.00050; ExAC 0.00175; gnomAD 0.00447 and 0.00489; TOPMed 0.00500; 1000 Genomes Project 30x 0.00484.
gnomAD v4.1: 1,407 of 1,554,518 alleles (0.091%); highest among the groups gnomAD compares: African/African-American, 1.6%; 7 homozygotes.

Submissions (2):

Illumina Laboratory Services, Illumina
Classification: Benign for Congenital erythropoietic porphyria. Last evaluated: 2018-01-12. Review status: criteria provided, single submitter. Criteria: ICSL Variant Classification Criteria 13 December 2019. Collection method: clinical testing. Allele origin: germline.
Comment: This variant was observed in the ICSL laboratory as part of a predisposition screen in an ostensibly healthy population. It had not been previously curated by ICSL or reported in the Human Gene Mutation Database (HGMD: prior to June 1st, 2018), and was therefore a candidate for classification through an automated scoring system. Utilizing variant allele frequency, disease prevalence and penetrance estimates, and inheritance mode, an automated score was calculated to assess if this variant is too frequent to cause the disease. Based on the score and internal cut-off values, a variant classified as benign is not then subjected to further curation. The score for this variant resulted in a classification of benign for this disease.

Breakthrough Genomics
Classification: Benign. Review status: criteria provided, single submitter. Criteria: ACMG Guidelines, 2015. Collection method: not provided. Allele origin: germline. Inheritance: Autosomal recessive inheritance. Affected: yes.

NM_000375.3(UROS):c.*37G>T

Gene: UROS (uroporphyrinogen III synthase; minus strand). Cytogenetic location: 10q26.2.
Variant type: single nucleotide variant.
Coding change: c.*37G>T on transcript NM_000375.3 (MANE Select); 37 bases downstream of the stop codon, G replaced by T.
Molecular consequence: 3 prime UTR variant. On other transcripts: non-coding transcript variant (3).
Genome position (GRCh38, 1-based): chr10:125,788,831, C>A on the plus strand (G>T on the coding strand, the complement: UROS is on the minus strand). VCF-style: chr10-125788831-C-A. GRCh37 (hg19) VCF-style: chr10-127477400-C-A.
Other names: c.*37G>T (NM_001324036.2, NM_001324037.2, NM_001324038.2).
Identifiers: ClinVar variation 299185 (VCV000299185.6), dbSNP rs372132511, ClinGen allele CA5738292.